The following is an entry in ClinVar:

ClinVar aggregate classification (germline): Uncertain significance. Review status: criteria provided, multiple submitters, no conflicts (2 of 4 stars). 2 submissions from 2 submitters: Uncertain significance (2). Last evaluated 2025-01-31.

Allele frequency attached by ClinVar (database versions not stated): gnomAD exomes 0.00004; TOPMed 0.00014; ESP Exome Variant Server 0.00015; gnomAD 0.00017.

Submissions (2):

Ambry Genetics
Classification: Uncertain significance. Last evaluated: 2025-01-31. Review status: criteria provided, single submitter. Criteria: Ambry Variant Classification Scheme 2023. Collection method: clinical testing. Allele origin: germline.

Labcorp Genetics (formerly Invitae), Labcorp
Classification: Uncertain significance. Last evaluated: 2023-09-27. Review status: criteria provided, single submitter. Criteria: Invitae Variant Classification Sherloc (09022015). Collection method: clinical testing. Allele origin: germline.
Comment: In summary, the available evidence is currently insufficient to determine the role of this variant in disease. Therefore, it has been classified as a Variant of Uncertain Significance. An algorithm developed to predict the effect of missense changes on protein structure and function (PolyPhen-2) suggests that this variant is likely to be tolerated. ClinVar contains an entry for this variant (Variation ID: 1498799). This variant has not been reported in the literature in individuals affected with FBN3-related conditions. This variant is present in population databases (rs139431173, gnomAD 0.03%). This sequence change replaces threonine, which is neutral and polar, with methionine, which is neutral and non-polar, at codon 201 of the FBN3 protein (p.Thr201Met).

NM_032447.5(FBN3):c.602C>T (p.Thr201Met)

Gene: FBN3 (fibrillin 3; minus strand). Cytogenetic location: 19p13.2.
Variant type: single nucleotide variant.
Coding change: c.602C>T on transcript NM_032447.5 (MANE Select); coding-DNA position 602, C replaced by T.
Protein change: p.Thr201Met; replaces threonine 201 with methionine.
Molecular consequence: missense variant.
Genome position (GRCh38, 1-based): chr19:8,142,077, G>A on the plus strand (C>T on the coding strand, the complement: FBN3 is on the minus strand). VCF-style: chr19-8142077-G-A. GRCh37 (hg19) VCF-style: chr19-8206961-G-A.
Other names: c.602C>T, p.Thr201Met (NM_001321431.2); c.602C>T (NM_032447.3); short protein forms T201M.
Identifiers: ClinVar variation 1498799 (VCV001498799.7), dbSNP rs139431173, ClinGen allele CA9153654.